The following is an entry in ClinVar:

ClinVar aggregate classification (germline): Uncertain significance (1 of 4 stars; one submission).

gnomAD v4.1: 3 of 1,610,714 alleles (0.00019%); highest among the groups gnomAD compares: Non-Finnish European, 0.00025%; no homozygotes.

Submission:

Ambry Genetics
Classification: Uncertain significance. Last evaluated: 2024-08-12. Review status: criteria provided, single submitter. Criteria: Ambry Variant Classification Scheme 2023. Collection method: clinical testing. Allele origin: germline.
Comment: The p.L424V variant (also known as c.1270C>G), located in coding exon 12 of the PRKDC gene, results from a C to G substitution at nucleotide position 1270. The leucine at codon 424 is replaced by valine, an amino acid with highly similar properties. This amino acid position is conserved. In addition, this alteration is predicted to be tolerated by in silico analysis. Based on the available evidence, the clinical significance of this variant remains unclear.

NM_006904.7(PRKDC):c.1270C>G (p.Leu424Val)

Gene: PRKDC (protein kinase, DNA-activated, catalytic subunit; minus strand). Cytogenetic location: 8q11.21.
Variant type: single nucleotide variant.
Coding change: c.1270C>G on transcript NM_006904.7 (MANE Select); coding-DNA position 1270, C replaced by G.
Protein change: p.Leu424Val; replaces leucine 424 with valine.
Molecular consequence: missense variant.
Genome position (GRCh38, 1-based): chr8:47,936,361, G>C on the plus strand (C>G on the coding strand, the complement: PRKDC is on the minus strand). VCF-style: chr8-47936361-G-C. GRCh37 (hg19) VCF-style: chr8-48848921-G-C.
Other names: c.1270C>G, p.Leu424Val (NM_001081640.2); short protein forms L424V.
Identifiers: ClinVar variation 3425298 (VCV003425298.1).